The following is an entry in ClinVar:

ClinVar aggregate classification (germline): Uncertain significance (1 of 4 stars; one submission).

Conditions:
Inborn genetic diseases. Identifiers: MedGen C0950123, MeSH D030342.

Submission:

Ambry Genetics
Classification: Uncertain significance for Inborn genetic diseases. Last evaluated: 2025-09-16. Review status: criteria provided, single submitter. Criteria: Ambry Variant Classification Scheme 2023. Collection method: clinical testing. Allele origin: germline.
Comment: The c.1055T>C (p.I352T) alteration is located in exon 1 (coding exon 1) of the KCNA6 gene. This alteration results from a T to C substitution at nucleotide position 1055, causing the isoleucine (I) at amino acid position 352 to be replaced by a threonine (T). This variant was not reported in population-based cohorts in the Genome Aggregation Database (gnomAD). This amino acid position is highly conserved in available vertebrate species. This missense alteration is located in a region that has a low rate of benign missense variation (Lek, 2016; Firth, 2009). This alteration is predicted to be deleterious by in silico analysis. Based on insufficient or conflicting evidence, the clinical significance of this alteration remains unclear.

NM_002235.5(KCNA6):c.1055T>C (p.Ile352Thr)

Genes: KCNA6 (potassium voltage-gated channel subfamily A member 6; plus strand), KCNA6-AS1 (KCNA6 antisense RNA 1; minus strand). Cytogenetic location: 12p13.32.
Variant type: single nucleotide variant.
Coding change: c.1055T>C on transcript NM_002235.5 (MANE Select); coding-DNA position 1055, T replaced by C.
Protein change: p.Ile352Thr; replaces isoleucine 352 with threonine.
Molecular consequence: missense variant. On other transcripts: non-coding transcript variant (3).
Genome position (GRCh38, 1-based): chr12:4,811,096, T>C. VCF-style: chr12-4811096-T-C. GRCh37 (hg19) VCF-style: chr12-4920262-T-C.
Other names: short protein forms I352T.
Identifiers: ClinVar variation 4041409 (VCV004041409.2).